The following is an entry in ClinVar:

ClinVar aggregate classification (germline): Uncertain significance. Review status: criteria provided, multiple submitters, no conflicts (2 of 4 stars). 2 submissions from 2 submitters: Uncertain significance (2). Last evaluated 2021-09-01.

Conditions:
Autosomal recessive ataxia, Beauce type. Also called: Spinocerebellar ataxia, autosomal recessive 8; ATAXIA, RECESSIVE, OF BEAUCE; SYNE1 Deficiency; SYNE1-Related Autosomal Recessive Cerebellar Ataxia. Identifiers: Orphanet 88644, MedGen C1853116, MONDO:0012549, OMIM 610743.
Emery-Dreifuss muscular dystrophy 4, autosomal dominant (EDMD4). Also called: EMERY-DREIFUSS MUSCULAR DYSTROPHY 4 WITH VARIABLE FEATURES. Identifiers: Orphanet 261, MedGen C2751807, MONDO:0013071, OMIM 612998.

Allele frequency attached by ClinVar (database versions not stated): gnomAD 0.00002; gnomAD exomes 0.00002; TOPMed 0.00002; ExAC 0.00003; ESP Exome Variant Server 0.00015.
gnomAD v4.1: 12 of 1,613,658 alleles (0.00074%); highest among the groups gnomAD compares: African/African-American, 0.0013%; no homozygotes.

Submissions (2):

Labcorp Genetics (formerly Invitae), Labcorp
Classification: Uncertain significance for Emery-Dreifuss muscular dystrophy 4, autosomal dominant; Autosomal recessive ataxia, Beauce type. Last evaluated: 2021-09-01. Review status: criteria provided, single submitter. Criteria: Invitae Variant Classification Sherloc (09022015). Collection method: clinical testing. Allele origin: germline.
Comment: This sequence change replaces aspartic acid with glycine at codon 23 of the SYNE1 protein (p.Asp23Gly). The aspartic acid residue is moderately conserved and there is a moderate physicochemical difference between aspartic acid and glycine. This variant is present in population databases (rs370851746, ExAC 0.006%). This variant has not been reported in the literature in individuals affected with SYNE1-related conditions. ClinVar contains an entry for this variant (Variation ID: 290100). Algorithms developed to predict the effect of missense changes on protein structure and function are either unavailable or do not agree on the potential impact of this missense change (SIFT: "Deleterious"; PolyPhen-2: "Benign"; Align-GVGD: "Class C0"). Algorithms developed to predict the effect of sequence changes on RNA splicing suggest that this variant may create or strengthen a splice site. In summary, the available evidence is currently insufficient to determine the role of this variant in disease. Therefore, it has been classified as a Variant of Uncertain Significance.

Eurofins Ntd Llc (ga)
Classification: Uncertain significance. Last evaluated: 2016-08-22. Review status: criteria provided, single submitter. Criteria: EGL Classification Definitions 2015. Collection method: clinical testing. Allele origin: germline. Observed: 1 variant allele, 1 heterozygote.

NM_182961.4(SYNE1):c.68A>G (p.Asp23Gly)

Gene: SYNE1 (spectrin repeat containing nuclear envelope protein 1; minus strand). Cytogenetic location: 6q25.2.
Variant type: single nucleotide variant.
Coding change: c.68A>G on transcript NM_182961.4 (MANE Select); coding-DNA position 68, A replaced by G.
Protein change: p.Asp23Gly; replaces aspartic acid 23 with glycine.
Molecular consequence: missense variant.
Genome position (GRCh38, 1-based): chr6:152,540,021, T>C on the plus strand (A>G on the coding strand, the complement: SYNE1 is on the minus strand). VCF-style: chr6-152540021-T-C. GRCh37 (hg19) VCF-style: chr6-152861156-T-C.
Other names: c.68A>G, p.Asp23Gly (NM_033071.5); short protein forms D23G.
Identifiers: ClinVar variation 290100 (VCV000290100.11), dbSNP rs370851746, ClinGen allele CA4059887.